The following is an entry in ClinVar:

ClinVar aggregate classification (germline): Uncertain significance (1 of 4 stars; one submission).

Submission:

Women's Health and Genetics/Laboratory Corporation of America, LabCorp
Classification: Uncertain significance. Last evaluated: 2017-03-27. Review status: criteria provided, single submitter. Criteria: LabCorp Variant Classification Summary - May 2015. Collection method: clinical testing. Allele origin: germline.
Comment: Variant summary: The STAT3 c.1863C>G (p.Phe621Leu) variant located in the SH2 domain involves the alteration of a conserved nucleotide, which 3/4 in silico tools (SNPs&GO not captured due to low reliability index) predict a benign outcome. This variant is absent in 121400 control chromosomes. Multiple publications have cited the variant in affected individuals with elevated IgE levels. However, independent genotypic functional studies for the variant have not been performed, as of yet, along with no clinical diagnostic laboratories or databases citing the variant of interest. However, LCA has classified another variant, c.1861T>C causing the same missense change, p.Phe621Leu as "Possibly Pathogenic." Therefore, taking all available lines of evidence into consideration, the variant of interest has been classifeid as a "Variant of Uncertain Significance - Possibly Pathogenic," until additional information becomes available (ie, functional studies).

Literature cited by the submitters: PubMed 20093388; PubMed 23830147.

NM_139276.3(STAT3):c.1863C>G (p.Phe621Leu)

Gene: STAT3 (signal transducer and activator of transcription 3; minus strand). Cytogenetic location: 17q21.2.
Variant type: single nucleotide variant.
Coding change: c.1863C>G on transcript NM_139276.3 (MANE Select); coding-DNA position 1863, C replaced by G.
Protein change: p.Phe621Leu; replaces phenylalanine 621 with leucine.
Molecular consequence: missense variant.
Genome position (GRCh38, 1-based): chr17:42,323,029, G>C on the plus strand (C>G on the coding strand, the complement: STAT3 is on the minus strand). VCF-style: chr17-42323029-G-C. GRCh37 (hg19) VCF-style: chr17-40475047-G-C.
Other names: c.1863C>G, p.Phe621Leu (NM_001369512.1, NM_001369513.1, NM_001369514.1 and 9 more transcripts); c.1779C>G, p.Phe593Leu (NM_001384984.1); c.1785C>G, p.Phe595Leu (NM_001384985.1); c.1878C>G, p.Phe626Leu (NM_001384986.1, NM_001384990.1); c.1842C>G, p.Phe614Leu (NM_001384987.1); c.1767C>G, p.Phe589Leu (NM_001384989.1); c.1836C>G, p.Phe612Leu (NM_001384991.1); c.1803C>G, p.Phe601Leu (NM_001384992.1); short protein forms F621L, F589L, F593L, F595L, F601L, F612L, F614L, F626L.
Identifiers: ClinVar variation 496545 (VCV000496545.1), dbSNP rs1555563854, ClinGen allele CA399582773.